The following is an entry in ClinVar:

ClinVar aggregate classification (germline): Uncertain significance. Review status: criteria provided, multiple submitters, no conflicts (2 of 4 stars). 2 submissions from 2 submitters: Uncertain significance (2). Last evaluated 2026-06-26.

Conditions:
Hereditary cancer-predisposing syndrome. Also called: Neoplastic Syndromes, Hereditary; Hereditary Cancer Syndrome; Hereditary neoplastic syndrome; Tumor predisposition. Identifiers: Orphanet 140162, MedGen C0027672, MeSH D009386, MONDO:0015356.
Juvenile polyposis syndrome (JPS). Identifiers: Orphanet 2929, MedGen C0345893, MONDO:0017380, OMIM 174900.

Submissions (2):

Ambry Genetics
Classification: Uncertain significance for Hereditary cancer-predisposing syndrome. Last evaluated: 2026-06-26. Review status: criteria provided, single submitter. Criteria: Ambry Variant Classification Scheme 2023. Collection method: clinical testing. Allele origin: germline.
Comment: The p.N392D variant (also known as c.1174A>G), located in coding exon 9 of the BMPR1A gene, results from an A to G substitution at nucleotide position 1174. The asparagine at codon 392 is replaced by aspartic acid, an amino acid with highly similar properties. This amino acid position is well conserved in available vertebrate species. In addition, this alteration is predicted to be tolerated by in silico analysis. Since supporting evidence is limited at this time, the clinical significance of this alteration remains unclear.

Labcorp Genetics (formerly Invitae), Labcorp
Classification: Uncertain significance for Juvenile polyposis syndrome. Last evaluated: 2022-10-17. Review status: criteria provided, single submitter. Criteria: Invitae Variant Classification Sherloc (09022015). Collection method: clinical testing. Allele origin: germline.
Comment: In summary, the available evidence is currently insufficient to determine the role of this variant in disease. Therefore, it has been classified as a Variant of Uncertain Significance. Advanced modeling performed at Invitae incorporating data from internal and/or published experimental studies (Invitae) indicates that this missense variant is not expected to disrupt BMPR1A function. ClinVar contains an entry for this variant (Variation ID: 649780). This variant has not been reported in the literature in individuals affected with BMPR1A-related conditions. This variant is not present in population databases (gnomAD no frequency). This sequence change replaces asparagine, which is neutral and polar, with aspartic acid, which is acidic and polar, at codon 392 of the BMPR1A protein (p.Asn392Asp).

NM_004329.3(BMPR1A):c.1174A>G (p.Asn392Asp)

Gene: BMPR1A (bone morphogenetic protein receptor type 1A; plus strand). Cytogenetic location: 10q23.2.
Variant type: single nucleotide variant.
Coding change: c.1174A>G on transcript NM_004329.3 (MANE Select); coding-DNA position 1174, A replaced by G.
Protein change: p.Asn392Asp; replaces asparagine 392 with aspartic acid.
Molecular consequence: missense variant.
Genome position (GRCh38, 1-based): chr10:86,921,527, A>G. VCF-style: chr10-86921527-A-G. GRCh37 (hg19) VCF-style: chr10-88681284-A-G.
Other names: short protein forms N392D.
Identifiers: ClinVar variation 649780 (VCV000649780.13), dbSNP rs1589292564, ClinGen allele CA377461829.